The following is an entry in ClinVar:

ClinVar aggregate classification (germline): Likely benign (0 of 4 stars; one submission).

Conditions:
LAMC1-related disorder. Also called: LAMC1-related condition.

Allele frequency attached by ClinVar (database versions not stated): gnomAD exomes 0.00016; ExAC 0.00044; ESP Exome Variant Server 0.00100; gnomAD 0.00154; 1000 Genomes Project 30x 0.00172; 1000 Genomes Project 0.00220.
gnomAD v4.1: 504 of 1,613,250 alleles (0.031%); highest among the groups gnomAD compares: African/African-American, 0.56%; 3 homozygotes.

Submission:

PreventionGenetics, part of Exact Sciences
Classification: Likely benign for LAMC1-related condition. Last evaluated: 2019-08-28. Review status: no assertion criteria provided. Collection method: clinical testing. Allele origin: germline.
Comment: This variant is classified as likely benign based on ACMG/AMP sequence variant interpretation guidelines (Richards et al. 2015 PMID: 25741868, with internal and published modifications).

NM_002293.4(LAMC1):c.795C>T (p.Asn265=)

Gene: LAMC1 (laminin subunit gamma 1; plus strand). Cytogenetic location: 1q25.3.
Variant type: single nucleotide variant.
Coding change: c.795C>T on transcript NM_002293.4 (MANE Select); coding-DNA position 795, C replaced by T.
Protein change: p.Asn265=; no amino-acid change (asparagine 265 retained).
Molecular consequence: synonymous variant.
Genome position (GRCh38, 1-based): chr1:183,108,347, C>T. VCF-style: chr1-183108347-C-T. GRCh37 (hg19) VCF-style: chr1-183077482-C-T.
Identifiers: ClinVar variation 3053396 (VCV003053396.2), dbSNP rs112634604, ClinGen allele CA1280925.